The following is an entry in ClinVar:

ClinVar aggregate classification (germline): Uncertain significance (1 of 4 stars; one submission).

Conditions:
Hereditary pulmonary alveolar proteinosis. Also called: Pulmonary surfactant metabolism dysfunction. Identifiers: Orphanet 264675, MedGen C3711368, MONDO:0012580.

Submission:

Ambry Genetics
Classification: Uncertain significance for Hereditary pulmonary alveolar proteinosis. Last evaluated: 2025-02-24. Review status: criteria provided, single submitter. Criteria: Ambry Variant Classification Scheme 2023. Collection method: clinical testing. Allele origin: germline.
Comment: The p.V364F variant (also known as c.1090G>T), located in coding exon 7 of the ABCA3 gene, results from a G to T substitution at nucleotide position 1090. The valine at codon 364 is replaced by phenylalanine, an amino acid with highly similar properties. This amino acid position is conserved. In addition, the in silico prediction for this alteration is inconclusive. Based on the available evidence, the clinical significance of this variant remains unclear.

NM_001089.3(ABCA3):c.1090G>T (p.Val364Phe)

Gene: ABCA3 (ATP binding cassette subfamily A member 3; minus strand). Cytogenetic location: 16p13.3.
Variant type: single nucleotide variant.
Coding change: c.1090G>T on transcript NM_001089.3 (MANE Select); coding-DNA position 1090, G replaced by T.
Protein change: p.Val364Phe; replaces valine 364 with phenylalanine.
Molecular consequence: missense variant.
Genome position (GRCh38, 1-based): chr16:2,317,304, C>A on the plus strand (G>T on the coding strand, the complement: ABCA3 is on the minus strand). VCF-style: chr16-2317304-C-A. GRCh37 (hg19) VCF-style: chr16-2367305-C-A.
Other names: short protein forms V364F.
Identifiers: ClinVar variation 3848218 (VCV003848218.1).